The following is an entry in ClinVar:

NM_001267550.2(TTN):c.59489A>G (p.Lys19830Arg)

Genes: TTN (titin; minus strand), TTN-AS1 (TTN antisense RNA 1; plus strand), LOC126806424 (CDK7 strongly-dependent group 2 enhancer GRCh37_chr2:179456337-179457536; plus strand). Cytogenetic location: 2q31.2.
Variant type: single nucleotide variant.
Coding change: c.59489A>G on transcript NM_001267550.2 (MANE Select); coding-DNA position 59489, A replaced by G.
Protein change: p.Lys19830Arg; replaces lysine 19830 with arginine.
Molecular consequence: missense variant.
Genome position (GRCh38, 1-based): chr2:178,592,516, T>C on the plus strand (A>G on the coding strand, the complement: TTN is on the minus strand). VCF-style: chr2-178592516-T-C. GRCh37 (hg19) VCF-style: chr2-179457243-T-C.
Other names: c.54566A>G, p.Lys18189Arg (NM_001256850.1); c.32294A>G, p.Lys10765Arg (NM_003319.4); c.51785A>G, p.Lys17262Arg (NM_133378.4); c.32669A>G, p.Lys10890Arg (NM_133432.3); c.32870A>G, p.Lys10957Arg (NM_133437.4); short protein forms K19830R, K17262R, K10765R, K10890R, K18189R, K10957R.
Identifiers: ClinVar variation 405007 (VCV000405007.12), dbSNP rs764259290, ClinGen allele CA1992656.

ClinVar aggregate classification (germline): Uncertain significance. Review status: criteria provided, multiple submitters, no conflicts (2 of 4 stars). 5 submissions from 5 submitters: Uncertain significance (5). Last evaluated 2021-07-05.

Conditions:
Cardiovascular phenotype. Identifiers: MedGen CN230736.
Autosomal recessive limb-girdle muscular dystrophy type 2J (LGMDR10). Also called: MUSCULAR DYSTROPHY, LIMB-GIRDLE, AUTOSOMAL RECESSIVE 10; Limb-girdle muscular dystrophy, type 2J. Identifiers: Orphanet 140922, MedGen C1837342, MONDO:0012127, OMIM 608807.
Dilated cardiomyopathy 1G (CMD1G). Identifiers: Orphanet 154, MedGen C1858763, MONDO:0011400, OMIM 604145.
Myopathy, myofibrillar, 9, with early respiratory failure (MFM9). Also called: Myopathy, distal, with early respiratory failure, autosomal dominant; Hereditary myopathy with early respiratory failure; EDSTROM MYOPATHY; MYOPATHY, PROXIMAL, WITH EARLY RESPIRATORY MUSCLE INVOLVEMENT. Identifiers: Orphanet 178464, Orphanet 34521, MedGen C1863599, MONDO:0011362, OMIM 603689.
Tibial muscular dystrophy (TMD). Also called: UDD MYOPATHY; Tibial muscular dystrophy, tardive; Udd Distal Myopathy – Tibial Muscular Dystrophy. Identifiers: Orphanet 609, MedGen C1838244, MONDO:0010870, OMIM 600334.
Early-onset myopathy with fatal cardiomyopathy (CMYO5). Also called: Salih Myopathy; CONGENITAL MYOPATHY 5 WITH CARDIOMYOPATHY. Identifiers: Orphanet 289377, MedGen C2673677, MONDO:0012714, OMIM 611705. Disease mechanism: loss of function.
Hypertrophic cardiomyopathy 9. Also called: Familial hypertrophic cardiomyopathy 9. Identifiers: MedGen C1861065, MONDO:0013412, OMIM 613765.

Allele frequency attached by ClinVar (database versions not stated): gnomAD exomes 0.00001 and 0.00002; ExAC 0.00002; TOPMed 0.00006; gnomAD 0.00009 and 0.00011.
gnomAD v4.1: 18 of 1,613,412 alleles (0.0011%); highest among the groups gnomAD compares: African/African-American, 0.023%; no homozygotes.

Submissions (5):

Fulgent Genetics
Classification: Uncertain significance for Tibial muscular dystrophy; Myopathy, myofibrillar, 9, with early respiratory failure; Dilated cardiomyopathy 1G; Autosomal recessive limb-girdle muscular dystrophy type 2J; Early-onset myopathy with fatal cardiomyopathy; Hypertrophic cardiomyopathy 9. Last evaluated: 2021-07-05. Review status: criteria provided, single submitter. Criteria: ACMG Guidelines, 2015. Collection method: clinical testing. Allele origin: unknown.

GeneDx
Classification: Uncertain significance. Last evaluated: 2020-09-09. Review status: criteria provided, single submitter. Criteria: GeneDx Variant Classification Process June 2021. Collection method: clinical testing. Allele origin: germline. Affected: yes.

Ambry Genetics
Classification: Uncertain significance for Cardiovascular phenotype. Last evaluated: 2019-12-04. Review status: criteria provided, single submitter. Criteria: Ambry Variant Classification Scheme 2023. Collection method: clinical testing. Allele origin: germline.
Comment: The p.K10765R variant (also known as c.32294A>G), located in coding exon 128 of the TTN gene, results from an A to G substitution at nucleotide position 32294. The lysine at codon 10765 is replaced by arginine, an amino acid with highly similar properties. This amino acid position is well conserved in available vertebrate species. In addition, this alteration is predicted to be tolerated by in silico analysis. Since supporting evidence is limited at this time, the clinical significance of this alteration remains unclear.

Eurofins Ntd Llc (ga)
Classification: Uncertain significance. Last evaluated: 2018-03-14. Review status: criteria provided, single submitter. Criteria: EGL ClinVar v180209 classification definitions. Collection method: clinical testing. Allele origin: germline. Observed: 1 variant allele, 1 heterozygote.

Labcorp Genetics (formerly Invitae), Labcorp
Classification: Uncertain significance for Dilated cardiomyopathy 1G; Autosomal recessive limb-girdle muscular dystrophy type 2J. Last evaluated: 2016-12-15. Review status: criteria provided, single submitter. Criteria: Invitae Variant Classification Sherloc (09022015). Collection method: clinical testing. Allele origin: germline.